The following is an entry in ClinVar:

ClinVar aggregate classification (germline): Uncertain significance. Review status: criteria provided, multiple submitters, no conflicts (2 of 4 stars). 2 submissions from 2 submitters: Uncertain significance (2). Last evaluated 2025-04-03.

Conditions:
Cardiovascular phenotype. Identifiers: MedGen CN230736.
LMF1-related disorder. Also called: LMF1-related condition.

gnomAD v4.1: 113 of 1,612,594 alleles (0.007%); highest among the groups gnomAD compares: South Asian, 0.035%; no homozygotes.

Submissions (2):

PreventionGenetics, part of Exact Sciences
Classification: Uncertain significance for LMF1-related condition. Last evaluated: 2025-04-03. Review status: criteria provided, single submitter. Criteria: ACMG Guidelines, 2015. Collection method: clinical testing. Allele origin: germline.
Comment: The LMF1 c.1144G>A variant is predicted to result in the amino acid substitution p.Val382Met. This variant has been reported in a cohort study with targeted sequencing panel for dyslipidemias (Table S4, Dron et al. 2020. PubMed ID: 32041611). This variant is reported in 0.029% of alleles in individuals of South Asian descent in gnomAD. At this time, the clinical significance of this variant is uncertain due to the absence of conclusive functional and genetic evidence.

Ambry Genetics
Classification: Uncertain significance for Cardiovascular phenotype. Last evaluated: 2024-10-29. Review status: criteria provided, single submitter. Criteria: Ambry Variant Classification Scheme 2023. Collection method: clinical testing. Allele origin: germline.
Comment: The p.V382M variant (also known as c.1144G>A), located in coding exon 8 of the LMF1 gene, results from a G to A substitution at nucleotide position 1144. The valine at codon 382 is replaced by methionine, an amino acid with highly similar properties. This amino acid position is highly conserved in available vertebrate species. In addition, the in silico prediction for this alteration is inconclusive. Based on the available evidence, the clinical significance of this variant remains unclear.

NM_022773.4(LMF1):c.1144G>A (p.Val382Met)

Gene: LMF1 (lipase maturation factor 1; minus strand). Cytogenetic location: 16p13.3.
Variant type: single nucleotide variant.
Coding change: c.1144G>A on transcript NM_022773.4 (MANE Select); coding-DNA position 1144, G replaced by A.
Protein change: p.Val382Met; replaces valine 382 with methionine.
Molecular consequence: missense variant. On other transcripts: non-coding transcript variant (1).
Genome position (GRCh38, 1-based): chr16:870,817, C>T on the plus strand (G>A on the coding strand, the complement: LMF1 is on the minus strand). VCF-style: chr16-870817-C-T. GRCh37 (hg19) VCF-style: chr16-920817-C-T.
Other names: c.493G>A, p.Val165Met (NM_001352017.2, NM_001352021.2); c.745G>A, p.Val249Met (NM_001352018.2); c.817G>A, p.Val273Met (NM_001352019.2); c.1144G>A, p.Val382Met (NM_001352020.1); short protein forms V165M, V249M, V382M, V273M.
Identifiers: ClinVar variation 3538652 (VCV003538652.2).